The following is an entry in ClinVar:

NM_002905.5(RDH5):c.265G>A (p.Val89Ile)

Genes: BLOC1S1-RDH5 (BLOC1S1-RDH5 readthrough; plus strand), RDH5 (retinol dehydrogenase 5; plus strand). Cytogenetic location: 12q13.2.
Variant type: single nucleotide variant.
Coding change: c.265G>A on transcript NM_002905.5 (MANE Select); coding-DNA position 265, G replaced by A.
Protein change: p.Val89Ile; replaces valine 89 with isoleucine.
Molecular consequence: missense variant.
Genome position (GRCh38, 1-based): chr12:55,721,449, G>A. VCF-style: chr12-55721449-G-A. GRCh37 (hg19) VCF-style: chr12-56115233-G-A.
Other names: c.265G>A, p.Val89Ile (NM_001199771.3); short protein forms V89I.
Identifiers: ClinVar variation 309811 (VCV000309811.16), dbSNP rs1136125, ClinGen allele CA6616785.

ClinVar aggregate classification (germline): Benign/Likely benign. Review status: criteria provided, multiple submitters, no conflicts (2 of 4 stars). 4 submissions from 4 submitters: Benign (2); Likely benign (2). Last evaluated 2026-02-01.

Conditions:
Pigmentary retinal dystrophy. Also called: Fundus albipunctatus. Identifiers: Orphanet 227796, Orphanet 52427, MedGen C0311338, MONDO:0007639, OMIM 136880, HP:0030642.

Allele frequency attached by ClinVar (database versions not stated): ESP Exome Variant Server 0.00038; gnomAD exomes 0.00240 and 0.01069; gnomAD 0.00324 and 0.00367; TOPMed 0.00670; ExAC 0.00906; 1000 Genomes Project 0.01418; 1000 Genomes Project 30x 0.01546.
gnomAD v4.1: 4,024 of 1,612,738 alleles (0.25%); highest among the groups gnomAD compares: Admixed American, 5.4%; 117 homozygotes.

Submissions (4):

Labcorp Genetics (formerly Invitae), Labcorp
Classification: Benign. Last evaluated: 2026-02-01. Review status: criteria provided, single submitter. Criteria: Invitae Variant Classification Sherloc (09022015). Collection method: clinical testing. Allele origin: germline.

GeneDx
Classification: Benign. Last evaluated: 2018-06-07. Review status: criteria provided, single submitter. Criteria: GeneDx Variant Classification (06012015). Collection method: clinical testing. Allele origin: germline. Affected: yes.
Comment: This variant is considered likely benign or benign based on one or more of the following criteria: it is a conservative change, it occurs at a poorly conserved position in the protein, it is predicted to be benign by multiple in silico algorithms, and/or has population frequency not consistent with disease.

Illumina Laboratory Services, Illumina
Classification: Likely benign for Pigmentary retinal dystrophy. Last evaluated: 2017-04-27. Review status: criteria provided, single submitter. Criteria: ICSL Variant Classification Criteria 13 December 2019. Collection method: clinical testing. Allele origin: germline.
Comment: This variant was observed as part of a predisposition screen in an ostensibly healthy population. A literature search was performed for the gene, cDNA change, and amino acid change (where applicable). No publications were found based on this search. Allele frequency data from public databases allowed determination this variant is unlikely to cause disease. Therefore, this variant is classified as likely benign.

Breakthrough Genomics
Classification: Likely benign. Review status: criteria provided, single submitter. Criteria: ACMG Guidelines, 2015. Collection method: not provided. Allele origin: germline. Inheritance: Autosomal dominant inheritance. Affected: yes.